The following is an entry in ClinVar:

ClinVar aggregate classification (germline): Benign. Review status: criteria provided, multiple submitters, no conflicts (2 of 4 stars). 13 submissions from 12 submitters: Benign (11). 2 of the submissions do not count toward it. Last evaluated 2026-09-21.

Conditions:
Ehlers-Danlos syndrome (EDS). Identifiers: Orphanet 98249, MedGen C0013720, MONDO:0020066.
Osteogenesis imperfecta type I (OI1). Also called: Lobstein disease; Osteogenesis imperfecta type 1; Lobstein's Disease; Classic Non-deforming Osteogenesis Imperfecta with Blue Sclerae; OI, TYPE I; OSTEOGENESIS IMPERFECTA TARDA. Identifiers: Orphanet 216796, Orphanet 666, MedGen C0023931, MONDO:0008146, OMIM 166200. Disease mechanism: loss of function.
Osteogenesis imperfecta (OI). Identifiers: Orphanet 666, MedGen C0029434, MeSH D010013, MONDO:0019019.

Allele frequency attached by ClinVar (database versions not stated): TOPMed 0.00420; ExAC 0.00508; gnomAD 0.00179; 1000 Genomes Project 0.00599; 1000 Genomes Project 30x 0.00750; gnomAD exomes 0.00161 and 0.00719; ESP Exome Variant Server 0.00038.
gnomAD v4.1: 3,063 of 1,612,720 alleles (0.19%); highest among the groups gnomAD compares: Admixed American, 4.8%; 91 homozygotes.

Submissions (13):

Molecular Diagnostic Laboratory for Inherited Cardiovascular Disease, Montreal Heart Institute
Classification: Benign. Last evaluated: 2026-09-21. Review status: criteria provided, single submitter. Criteria: ACMG Guidelines, 2015. Collection method: clinical testing. Allele origin: germline. Affected: no.
Comment: BS1;BP4

Labcorp Genetics (formerly Invitae), Labcorp
Classification: Benign for Osteogenesis imperfecta type I. Last evaluated: 2026-02-03. Review status: criteria provided, single submitter. Criteria: Invitae Variant Classification Sherloc (09022015). Collection method: clinical testing. Allele origin: germline.

ARUP Laboratories, Molecular Genetics and Genomics, ARUP Laboratories
Classification: Benign. Last evaluated: 2025-07-18. Review status: criteria provided, single submitter. Criteria: ARUP Molecular Germline Variant Investigation Process 2024. Collection method: clinical testing. Allele origin: germline.

Blueprint Genetics
Classification: Benign. Last evaluated: 2024-11-18. Review status: criteria provided, single submitter. Criteria: ACMG Guidelines, 2015. Collection method: clinical testing. Allele origin: germline.

Genome Diagnostics Laboratory, The Hospital for Sick Children
Classification: Benign for Osteogenesis imperfecta. Last evaluated: 2022-03-29. Review status: criteria provided, single submitter. Criteria: ACMG Guidelines, 2015. Collection method: clinical testing. Allele origin: germline.

Genome Diagnostics Laboratory, The Hospital for Sick Children
Classification: Benign for Ehlers-Danlos syndrome. Last evaluated: 2020-12-21. Review status: criteria provided, single submitter. Criteria: ACMG Guidelines, 2015. Collection method: clinical testing. Allele origin: germline.

Mayo Clinic Laboratories, Mayo Clinic
Classification: Benign. Last evaluated: 2020-03-04. Review status: criteria provided, single submitter. Criteria: ACMG Guidelines, 2015. Collection method: clinical testing. Allele origin: germline. Observed: 17 variant alleles.

Athena Diagnostics
Classification: Benign. Last evaluated: 2020-02-05. Review status: criteria provided, single submitter. Criteria: Athena Diagnostics Criteria. Collection method: clinical testing. Allele origin: unknown.

GeneDx
Classification: Benign. Last evaluated: 2017-03-22. Review status: criteria provided, single submitter. Criteria: GeneDx Variant Classification (06012015). Collection method: clinical testing. Allele origin: germline. Affected: yes.
Comment: This variant is considered likely benign or benign based on one or more of the following criteria: it is a conservative change, it occurs at a poorly conserved position in the protein, it is predicted to be benign by multiple in silico algorithms, and/or has population frequency not consistent with disease.

Eurofins Ntd Llc (ga)
Classification: Benign. Last evaluated: 2015-04-03. Review status: criteria provided, single submitter. Criteria: EGL Classification Definitions 2015. Collection method: clinical testing. Allele origin: germline. Observed: 1 variant allele, 1 heterozygote.

Breakthrough Genomics
Classification: Benign. Review status: criteria provided, single submitter. Criteria: ACMG Guidelines, 2015. Collection method: not provided. Allele origin: germline. Inheritance: Autosomal dominant inheritance. Affected: yes.

Clinical Genetics DNA and cytogenetics Diagnostics Lab, Erasmus MC, Erasmus Medical Center
Classification: Benign. Review status: no assertion criteria provided. Collection method: clinical testing. Allele origin: germline. Affected: yes. Study: VKGL Data-share Consensus. Not counted in ClinVar's aggregate classification.

Genome Diagnostics Laboratory, Amsterdam University Medical Center
Classification: Likely benign. Review status: no assertion criteria provided. Collection method: clinical testing. Allele origin: germline. Affected: yes. Study: VKGL Data-share Consensus. Not counted in ClinVar's aggregate classification.

NM_000088.4(COL1A1):c.3531+10C>A

Gene: COL1A1 (collagen type I alpha 1 chain; minus strand). Cytogenetic location: 17q21.33.
Variant type: single nucleotide variant.
Coding change: c.3531+10C>A on transcript NM_000088.4 (MANE Select); 10 bases into the intron after coding-DNA position 3531, C replaced by A.
Molecular consequence: intron variant.
Genome position (GRCh38, 1-based): chr17:50,187,005, G>T on the plus strand (C>A on the coding strand, the complement: COL1A1 is on the minus strand). VCF-style: chr17-50187005-G-T. GRCh37 (hg19) VCF-style: chr17-48264366-G-T.
Other names: p.?.
Identifiers: ClinVar variation 197557 (VCV000197557.36), dbSNP rs41316721, ClinGen allele CA202956.